The following is an entry in ClinVar:

NM_002103.5(GYS1):c.1624A>G (p.Ile542Val)

Genes: GYS1 (glycogen synthase 1; minus strand), LOC119369037 (CRISPRi-FlowFISH-validated FTL regulatory element 4; plus strand). Cytogenetic location: 19q13.33.
Variant type: single nucleotide variant.
Coding change: c.1624A>G on transcript NM_002103.5 (MANE Select); coding-DNA position 1624, A replaced by G.
Protein change: p.Ile542Val; replaces isoleucine 542 with valine.
Molecular consequence: missense variant. On other transcripts: non-coding transcript variant (1).
Genome position (GRCh38, 1-based): chr19:48,970,949, T>C on the plus strand (A>G on the coding strand, the complement: GYS1 is on the minus strand). VCF-style: chr19-48970949-T-C. GRCh37 (hg19) VCF-style: chr19-49474206-T-C.
Other names: c.1432A>G, p.Ile478Val (NM_001161587.2); short protein forms I542V, I478V.
Identifiers: ClinVar variation 1495878 (VCV001495878.6), dbSNP rs768029465, ClinGen allele CA9562887.

ClinVar aggregate classification (germline): Uncertain significance (1 of 4 stars; one submission).

Conditions:
Glycogen storage disease due to muscle and heart glycogen synthase deficiency. Also called: GSD 0b; MUSCLE GLYCOGEN SYNTHASE DEFICIENCY. Identifiers: Orphanet 137625, MedGen C1969054, MONDO:0012693, OMIM 611556.

Allele frequency attached by ClinVar (database versions not stated): TOPMed below 0.00001; ExAC 0.00001; gnomAD 0.00001.
gnomAD v4.1: 2 of 1,613,564 alleles (0.00012%); highest among the groups gnomAD compares: Non-Finnish European, 0.00017%; no homozygotes.

Submission:

Labcorp Genetics (formerly Invitae), Labcorp
Classification: Uncertain significance for Glycogen storage disease due to muscle and heart glycogen synthase deficiency. Last evaluated: 2021-11-14. Review status: criteria provided, single submitter. Criteria: Invitae Variant Classification Sherloc (09022015). Collection method: clinical testing. Allele origin: germline.
Comment: This sequence change replaces isoleucine, which is neutral and non-polar, with valine, which is neutral and non-polar, at codon 542 of the GYS1 protein (p.Ile542Val). This variant is present in population databases (rs768029465, gnomAD 0.0009%). This variant has not been reported in the literature in individuals affected with GYS1-related conditions. Algorithms developed to predict the effect of missense changes on protein structure and function (SIFT, PolyPhen-2, Align-GVGD) all suggest that this variant is likely to be tolerated. In summary, the available evidence is currently insufficient to determine the role of this variant in disease. Therefore, it has been classified as a Variant of Uncertain Significance.